The following is an entry in ClinVar:

ClinVar aggregate classification (germline): Uncertain significance (1 of 4 stars; one submission).

Submission:

Labcorp Genetics (formerly Invitae), Labcorp
Classification: Uncertain significance. Last evaluated: 2020-06-02. Review status: criteria provided, single submitter. Criteria: Invitae Variant Classification Sherloc (09022015). Collection method: clinical testing. Allele origin: germline.
Comment: In summary, the available evidence is currently insufficient to determine the role of this variant in disease. Therefore, it has been classified as a Variant of Uncertain Significance. Algorithms developed to predict the effect of sequence changes on RNA splicing suggest that this variant may create or strengthen a splice site, but this prediction has not been confirmed by published transcriptional studies. Algorithms developed to predict the effect of missense changes on protein structure and function are either unavailable or do not agree on the potential impact of this missense change (SIFT: "Deleterious"; PolyPhen-2: "Benign"; Align-GVGD: "Class C0"). This variant has not been reported in the literature in individuals with KLHL7-related conditions. This variant is not present in population databases (ExAC no frequency). This sequence change replaces alanine with valine at codon 163 of the KLHL7 protein (p.Ala163Val). The alanine residue is highly conserved and there is a small physicochemical difference between alanine and valine.

NM_001031710.3(KLHL7):c.488C>T (p.Ala163Val)

Gene: KLHL7 (kelch like family member 7; plus strand). Cytogenetic location: 7p15.3.
Variant type: single nucleotide variant.
Coding change: c.488C>T on transcript NM_001031710.3 (MANE Select); coding-DNA position 488, C replaced by T.
Protein change: p.Ala163Val; replaces alanine 163 with valine.
Molecular consequence: missense variant. On other transcripts: non-coding transcript variant (1).
Genome position (GRCh38, 1-based): chr7:23,140,814, C>T. VCF-style: chr7-23140814-C-T. GRCh37 (hg19) VCF-style: chr7-23180433-C-T.
Other names: c.344C>T, p.Ala115Val (NM_018846.5); short protein forms A115V, A163V.
Identifiers: ClinVar variation 1007835 (VCV001007835.8), dbSNP rs1784157570, ClinGen allele CA366976049.